The following is an entry in ClinVar:

NM_001065.4(TNFRSF1A):c.242G>T (p.Cys81Phe)

Gene: TNFRSF1A (TNF receptor superfamily member 1A; minus strand). Cytogenetic location: 12p13.31.
Variant type: single nucleotide variant.
Coding change: c.242G>T on transcript NM_001065.4 (MANE Select); coding-DNA position 242, G replaced by T.
Protein change: p.Cys81Phe; replaces cysteine 81 with phenylalanine.
Molecular consequence: missense variant. On other transcripts: 5 prime UTR variant (2), non-coding transcript variant (1).
Genome position (GRCh38, 1-based): chr12:6,333,817, C>A on the plus strand (G>T on the coding strand, the complement: TNFRSF1A is on the minus strand). VCF-style: chr12-6333817-C-A. GRCh37 (hg19) VCF-style: chr12-6442983-C-A.
Other names: C52F; c.-83G>T (NM_001346091.2); c.-336G>T (NM_001346092.2); short protein forms C81F.
Identifiers: ClinVar variation 12338 (VCV000012338.3), dbSNP rs104895220, ClinGen allele CA280151.

ClinVar aggregate classification (germline): Pathogenic. Review status: criteria provided, single submitter (1 of 4 stars). 3 submissions from 3 submitters: Pathogenic (1). 2 of the submissions do not count toward it. Last evaluated 2016-08-10.

Conditions:
TNF receptor-associated periodic fever syndrome (TRAPS) (FPF). Also called: Autosomal Dominant Familial Periodic Fever; TNF Receptor-Associated Periodic Fever Syndrome; FAMILIAL HIBERNIAN FEVER; TNF receptor 1-associated periodic fever syndrome; TNF RECEPTOR-ASSOCIATED PERIODIC SYNDROME; TUMOR NECROSIS FACTOR RECEPTOR-ASSOCIATED PERIODIC SYNDROME. Identifiers: Orphanet 32960, MedGen C1275126, MONDO:0007727, OMIM 142680.

Submissions (3):

GeneDx
Classification: Pathogenic. Last evaluated: 2016-08-10. Review status: criteria provided, single submitter. Criteria: GeneDx Variant Classification (06012015). Collection method: clinical testing. Allele origin: germline. Affected: yes.
Comment: The C81F variant has been published previosuly in association with autosomal dominant periodic fever (McDermott et al., 1999). The variant was not observed in approximately 6,500 individuals of European and African American ancestry in the NHLBI Exome Sequencing Project, indicating it is not a common benign variant in these populations. C81F is a non-conservative amino acid substitution, which is likely to impact secondary protein structure as these residues differ in polarity, charge, size and/or other properties. This substitution occurs at a position within the TNFR-Cys1 repeat region that is conserved across species; this position forms a critical disulfide bond with the C62 residue (Aksentijevich et al., 2001). In silico analysis predicts this variant is probably damaging to the protein structure/function. Additionally, multiple functional studies have shown that C81F disrupts normal TNFRSF1A function and localization (Todd et al., 2004; Lobito et al., 2006; Rebelo et al., 2009). Missense variants in the same residue (C81G/R/Y) and in nearby residues (T79M/K, C84R/Y/S, E85D) have been reported in the Human Gene Mutation Database in association with periodic fever (Stenson et al., 2014), supporting the functional importance of this region of the protein. Therefore, we consider this variant to be pathogenic.

OMIM
Classification: Pathogenic for PERIODIC FEVER, FAMILIAL, AUTOSOMAL DOMINANT. Last evaluated: 1999-04-02. Review status: no assertion criteria provided. Collection method: literature only. Allele origin: germline. Not counted in ClinVar's aggregate classification.

Unité médicale des maladies autoinflammatoires, CHRU Montpellier
No classification provided. Condition: TNF receptor-associated periodic fever syndrome (TRAPS). Review status: no classification provided. Collection method: not provided. Allele origin: unknown. Not counted in ClinVar's aggregate classification.

Literature cited by the submitters: PubMed 10199409 (cited by OMIM).